The following is an entry in ClinVar:

ClinVar aggregate classification (germline): Likely benign. Review status: criteria provided, single submitter (1 of 4 stars). 2 submissions from 2 submitters: Likely benign (1). 1 of the submissions does not count toward it. Last evaluated 2023-11-02.

Conditions:
RAI1-related disorder. Also called: RAI1-related condition.

Allele frequency attached by ClinVar (database versions not stated): gnomAD exomes below 0.00001; TOPMed below 0.00001.

Submissions (2):

Labcorp Genetics (formerly Invitae), Labcorp
Classification: Likely benign. Last evaluated: 2023-11-02. Review status: criteria provided, single submitter. Criteria: Invitae Variant Classification Sherloc (09022015). Collection method: clinical testing. Allele origin: germline.

PreventionGenetics, part of Exact Sciences
Classification: Likely benign for RAI1-related condition. Last evaluated: 2024-04-24. Review status: no assertion criteria provided. Collection method: clinical testing. Allele origin: germline. Not counted in ClinVar's aggregate classification.
Comment: This variant is classified as likely benign based on ACMG/AMP sequence variant interpretation guidelines (Richards et al. 2015 PMID: 25741868, with internal and published modifications).

NM_030665.4(RAI1):c.2895C>T (p.Ser965=)

Gene: RAI1 (retinoic acid induced 1; plus strand). Cytogenetic location: 17p11.2.
Variant type: single nucleotide variant.
Coding change: c.2895C>T on transcript NM_030665.4 (MANE Select); coding-DNA position 2895, C replaced by T.
Protein change: p.Ser965=; no amino-acid change (serine 965 retained).
Molecular consequence: synonymous variant.
Genome position (GRCh38, 1-based): chr17:17,795,843, C>T. VCF-style: chr17-17795843-C-T. GRCh37 (hg19) VCF-style: chr17-17699157-C-T.
Other names: c.2895C>T (NM_030665.3).
Identifiers: ClinVar variation 2790093 (VCV002790093.4), dbSNP rs2032219112, ClinGen allele CA498424408.
Genomic context (GRCh38, chr17:17,795,843, plus strand): 5'-TCTGTCACACATGAAGCCAGGTGAAGAGGGGCCTGATGGGGAGCGAGCTCCAGGGGATTC[C>T]ACCACCTCGGACGCCTCTCTGGCCCAGAAGCCCAACAAGCCTGCTGTGCCCGAGGCGCCC-3'
Protein context (NP_109590.3, residues 955-975): GPDGERAPGD[Ser965=]TTSDASLAQK